The following is an entry in ClinVar:

ClinVar aggregate classification (germline): Likely benign. Review status: criteria provided, single submitter (1 of 4 stars). 2 submissions from 2 submitters: Likely benign (1). 1 of the submissions does not count toward it. Last evaluated 2025-09-01.

Conditions:
NOVA2-related disorder. Also called: NOVA2-related condition.

Allele frequency attached by ClinVar (database versions not stated): gnomAD 0.00001; ExAC 0.00010.
gnomAD v4.1: 4 of 1,420,820 alleles (0.00028%); highest among the groups gnomAD compares: Admixed American, 0.014%; no homozygotes.

Submissions (2):

CeGaT Center for Human Genetics Tuebingen
Classification: Likely benign. Last evaluated: 2025-09-01. Review status: criteria provided, single submitter. Criteria: CeGaT Center For Human Genetics Tuebingen Variant Classification Criteria Version 2. Collection method: clinical testing. Allele origin: germline. Affected: yes. Observed: 1 variant allele.
Comment: NOVA2: BP4, BP7

PreventionGenetics, part of Exact Sciences
Classification: Likely benign for NOVA2-related condition. Last evaluated: 2023-07-11. Review status: no assertion criteria provided. Collection method: clinical testing. Allele origin: germline. Not counted in ClinVar's aggregate classification.
Comment: This variant is classified as likely benign based on ACMG/AMP sequence variant interpretation guidelines (Richards et al. 2015 PMID: 25741868, with internal and published modifications).

NM_002516.4(NOVA2):c.738C>A (p.Ala246=)

Gene: NOVA2 (NOVA alternative splicing regulator 2; minus strand). Cytogenetic location: 19q13.32.
Variant type: single nucleotide variant.
Coding change: c.738C>A on transcript NM_002516.4 (MANE Select); coding-DNA position 738, C replaced by A.
Protein change: p.Ala246=; no amino-acid change (alanine 246 retained).
Molecular consequence: synonymous variant.
Genome position (GRCh38, 1-based): chr19:45,940,604, G>T on the plus strand (C>A on the coding strand, the complement: NOVA2 is on the minus strand). VCF-style: chr19-45940604-G-T. GRCh37 (hg19) VCF-style: chr19-46443862-G-T.
Identifiers: ClinVar variation 3030945 (VCV003030945.9), dbSNP rs750236958, ClinGen allele CA9525372.